The following is an entry in ClinVar:

NM_000094.4(COL7A1):c.5546A>G (p.Asp1849Gly)

Gene: COL7A1 (collagen type VII alpha 1 chain; minus strand). Cytogenetic location: 3p21.31.
Variant type: single nucleotide variant.
Coding change: c.5546A>G on transcript NM_000094.4 (MANE Select); coding-DNA position 5546, A replaced by G.
Protein change: p.Asp1849Gly; replaces aspartic acid 1849 with glycine.
Molecular consequence: missense variant.
Genome position (GRCh38, 1-based): chr3:48,577,014, T>C on the plus strand (A>G on the coding strand, the complement: COL7A1 is on the minus strand). VCF-style: chr3-48577014-T-C. GRCh37 (hg19) VCF-style: chr3-48614447-T-C.
Other names: short protein forms D1849G.
Identifiers: ClinVar variation 4702270 (VCV004702270.2).
Genomic context (GRCh38, chr3:48,577,014, plus strand): 5'-AAGCAGAGACCAGAGAGACCCCAGGTGGGGGACTTTACCTTCCTCCCGTCTTCTCCAGGG[T>C]CCCCAGGTTCTCCCTGTGGGCAGAGGACTCACATCAGCCCAAACATTCACTGGTGTCTGG-3'
Protein context (NP_000085.1, residues 1839-1859): GLNGKNGEPG[Asp1849Gly]PGEDGRKGEK

ClinVar aggregate classification (germline): Uncertain significance. Review status: criteria provided, multiple submitters, no conflicts (2 of 4 stars). 2 submissions from 2 submitters: Uncertain significance (2). Last evaluated 2025-10-13.

Conditions:
COL7A1-related disorder. Also called: COL7A1-related condition; COL7A1- related disorders.

gnomAD v4.1: 2 of 1,613,896 alleles (0.00012%); highest among the groups gnomAD compares: Non-Finnish European, 0.00017%; no homozygotes.

Submissions (2):

Labcorp Genetics (formerly Invitae), Labcorp
Classification: Uncertain significance. Last evaluated: 2025-10-13. Review status: criteria provided, single submitter. Criteria: Invitae Variant Classification Sherloc (09022015). Collection method: clinical testing. Allele origin: germline.
Comment: This sequence change replaces aspartic acid, which is acidic and polar, with glycine, which is neutral and non-polar, at codon 1849 of the COL7A1 protein (p.Asp1849Gly). This variant is present in population databases (rs765158231, gnomAD no frequency). This variant has not been reported in the literature in individuals affected with COL7A1-related conditions. Invitae Evidence Modeling of protein sequence and biophysical properties (such as structural, functional, and spatial information, amino acid conservation, physicochemical variation, residue mobility, and thermodynamic stability) indicates that this missense variant is not expected to disrupt COL7A1 protein function with a negative predictive value of 95%. In summary, the available evidence is currently insufficient to determine the role of this variant in disease. Therefore, it has been classified as a Variant of Uncertain Significance.

PreventionGenetics, part of Exact Sciences
Classification: Uncertain significance for COL7A1-related condition. Last evaluated: 2025-07-27. Review status: criteria provided, single submitter. Criteria: ACMG Guidelines, 2015. Collection method: clinical testing. Allele origin: germline.
Comment: The COL7A1 c.5546A>G variant is predicted to result in the amino acid substitution p.Asp1849Gly. To our knowledge, this variant has not been reported in the literature. This variant is reported in 0.00088% of alleles in individuals of European (Non-Finnish) descent in gnomAD. At this time, the clinical significance of this variant is uncertain due to the absence of conclusive functional and genetic evidence.